The following is an entry in ClinVar:

ClinVar aggregate classification (germline): Likely benign. Review status: criteria provided, multiple submitters, no conflicts (2 of 4 stars). 2 submissions from 2 submitters: Likely benign (2). Last evaluated 2023-12-18.

Conditions:
Cardiomyopathy (CMYO). Also called: Cardiomyopathies. Identifiers: Orphanet 167848, MedGen C0878544, MONDO:0004994, HP:0001638. Inheritance: Various modes of inheritance.
Arrhythmogenic right ventricular cardiomyopathy (ARVD). Also called: Arrhythmogenic right ventricular dysplasia; Cardiomyopathy, ARVC; Arrhythmogenic cardiomyopathy; Arrhythmogenic Right Ventricular Cardiomyopathy (ARVC). Identifiers: Orphanet 247, MedGen C0349788, MeSH D019571, MONDO:0016587. Disease mechanism: loss of function. Inheritance: Various modes of inheritance.

Submissions (2):

All of Us Research Program, National Institutes of Health
Classification: Likely benign for Arrhythmogenic right ventricular cardiomyopathy. Last evaluated: 2023-12-18. Review status: criteria provided, single submitter. Criteria: ACMG Guidelines, 2015. Collection method: clinical testing. Allele origin: germline. Inheritance: Autosomal dominant inheritance. Observed: 1 variant allele, 1 heterozygote.
Comment: This study involves interpretation of variants in research participants for the purpose of population health screening. Participant phenotype was not available at the time of variant classification. Additional details can be found in publication PMID: 35346344, PMCID: PMC8962531

Color Diagnostics, LLC DBA Color Health
Classification: Likely benign for Cardiomyopathy. Last evaluated: 2023-12-12. Review status: criteria provided, single submitter. Criteria: ACMG Guidelines, 2015. Collection method: clinical testing. Allele origin: germline.

NM_001943.5(DSG2):c.3138G>A (p.Val1046=)

Genes: DSG2 (desmoglein 2; plus strand), DSG2-AS1 (DSG2 antisense RNA 1; minus strand). Cytogenetic location: 18q12.1.
Variant type: single nucleotide variant.
Coding change: c.3138G>A on transcript NM_001943.5 (MANE Select); coding-DNA position 3138, G replaced by A.
Protein change: p.Val1046=; no amino-acid change (valine 1046 retained).
Molecular consequence: synonymous variant.
Genome position (GRCh38, 1-based): chr18:31,546,524, G>A. VCF-style: chr18-31546524-G-A. GRCh37 (hg19) VCF-style: chr18-29126487-G-A.
Identifiers: ClinVar variation 3075178 (VCV003075178.2), dbSNP rs2144361501, ClinGen allele CA503766635.